The following is an entry in ClinVar:

NM_020163.3(SEMA3G):c.2237G>A (p.Arg746Gln)

Gene: SEMA3G (semaphorin 3G; minus strand). Cytogenetic location: 3p21.1.
Variant type: single nucleotide variant.
Coding change: c.2237G>A on transcript NM_020163.3 (MANE Select); coding-DNA position 2237, G replaced by A.
Protein change: p.Arg746Gln; replaces arginine 746 with glutamine.
Molecular consequence: missense variant.
Genome position (GRCh38, 1-based): chr3:52,435,715, C>T on the plus strand (G>A on the coding strand, the complement: SEMA3G is on the minus strand). VCF-style: chr3-52435715-C-T. GRCh37 (hg19) VCF-style: chr3-52469731-C-T.
Other names: short protein forms R746Q.
Identifiers: ClinVar variation 2636071 (VCV002636071.4), dbSNP rs376199344, ClinGen allele CA2437681.

ClinVar aggregate classification (germline): Uncertain significance (1 of 4 stars; one submission).

Conditions:
SEMA3G-related disorder. Also called: SEMA3G-related condition.

Allele frequency attached by ClinVar (database versions not stated): ExAC 0.00011; gnomAD 0.00012; ESP Exome Variant Server 0.00015; TOPMed 0.00009.
gnomAD v4.1: 144 of 1,613,914 alleles (0.0089%); highest among the groups gnomAD compares: Non-Finnish European, 0.011%; no homozygotes.

Submission:

PreventionGenetics, part of Exact Sciences
Classification: Uncertain significance for SEMA3G-related condition. Last evaluated: 2026-04-13. Review status: criteria provided, single submitter. Criteria: ACMG Guidelines, 2015. Collection method: clinical testing. Allele origin: germline.
Comment: The SEMA3G c.2237G>A variant is predicted to result in the amino acid substitution p.Arg746Gln. To our knowledge, this variant has not been reported in the literature. This variant is reported in 0.024% of alleles in individuals of European (non-Finnish) descent in gnomAD. At this time, the clinical significance of this variant is uncertain due to the absence of conclusive functional and genetic evidence.